The following is an entry in ClinVar:

NM_001134831.2(AHI1):c.2902C>T (p.His968Tyr)

Gene: AHI1 (Abelson helper integration site 1; minus strand). Cytogenetic location: 6q23.3.
Variant type: single nucleotide variant.
Coding change: c.2902C>T on transcript NM_001134831.2 (MANE Select); coding-DNA position 2902, C replaced by T.
Protein change: p.His968Tyr; replaces histidine 968 with tyrosine.
Molecular consequence: missense variant.
Genome position (GRCh38, 1-based): chr6:135,411,407, G>A on the plus strand (C>T on the coding strand, the complement: AHI1 is on the minus strand). VCF-style: chr6-135411407-G-A. GRCh37 (hg19) VCF-style: chr6-135732545-G-A.
Other names: c.2902C>T, p.His968Tyr (NM_001134830.2, NM_001134832.2, NM_001350503.2 and 2 more transcripts); short protein forms H968Y.
Identifiers: ClinVar variation 1016360 (VCV001016360.6), dbSNP rs1253336600, ClinGen allele CA365845954.
Genomic context (GRCh38, chr6:135,411,407, plus strand): 5'-CTGTGACAGTTTCAAGCCTCTGTTTTACTAGCTGCATCTTCGTTGAAGAACTTTCAGTGT[G>A]GACAAATTCATCAATCTGAAAAGAGCCTTGATGGGGTAGTTTTGGACAGGTACATAGGGC-3'
Protein context (NP_001128303.1, residues 958-978): QGSFQIDEFV[His968Tyr]TESSSTKMQL

ClinVar aggregate classification (germline): Uncertain significance (1 of 4 stars; one submission).

Conditions:
Joubert syndrome. Also called: Familial aplasia of the vermis; CEREBELLOPARENCHYMAL DISORDER IV; JOUBERT-BOLTSHAUSER SYNDROME. Identifiers: Orphanet 475, MedGen C5979921, MONDO:0018772.

Allele frequency attached by ClinVar (database versions not stated): gnomAD exomes below 0.00001.

Submission:

Labcorp Genetics (formerly Invitae), Labcorp
Classification: Uncertain significance for Joubert syndrome. Last evaluated: 2022-08-10. Review status: criteria provided, single submitter. Criteria: Invitae Variant Classification Sherloc (09022015). Collection method: clinical testing. Allele origin: germline.
Comment: This sequence change replaces histidine, which is basic and polar, with tyrosine, which is neutral and polar, at codon 968 of the AHI1 protein (p.His968Tyr). This variant is present in population databases (no rsID available, gnomAD no frequency). This variant has not been reported in the literature in individuals affected with AHI1-related conditions. ClinVar contains an entry for this variant (Variation ID: 1016360). Advanced modeling of protein sequence and biophysical properties (such as structural, functional, and spatial information, amino acid conservation, physicochemical variation, residue mobility, and thermodynamic stability) performed at Invitae indicates that this missense variant is not expected to disrupt AHI1 protein function. In summary, the available evidence is currently insufficient to determine the role of this variant in disease. Therefore, it has been classified as a Variant of Uncertain Significance.